The following is an entry in ClinVar:

ClinVar aggregate classification (germline): Uncertain significance (1 of 4 stars; one submission).

Submission:

Mayo Clinic Laboratories, Mayo Clinic
Classification: Uncertain significance. Last evaluated: 2025-05-26. Review status: criteria provided, single submitter. Criteria: ACMG Guidelines, 2015. Collection method: clinical testing. Allele origin: germline. Observed: 1 variant allele.
Comment: BP4_moderate, PM2_supporting

NM_018294.6(CWF19L1):c.1539C>G (p.Ile513Met)

Genes: CHUK-DT (CHUK divergent transcript; plus strand), CWF19L1 (CWF19 like cell cycle control factor 1; minus strand). Cytogenetic location: 10q24.31.
Variant type: single nucleotide variant.
Coding change: c.1539C>G on transcript NM_018294.6 (MANE Select); coding-DNA position 1539, C replaced by G.
Protein change: p.Ile513Met; replaces isoleucine 513 with methionine.
Molecular consequence: missense variant. On other transcripts: non-coding transcript variant (2).
Genome position (GRCh38, 1-based): chr10:100,233,305, G>C on the plus strand (C>G on the coding strand, the complement: CWF19L1 is on the minus strand). VCF-style: chr10-100233305-G-C. GRCh37 (hg19) VCF-style: chr10-101993062-G-C.
Other names: p.Ile513Met; c.1419C>G, p.Ile473Met (NM_001303404.2); c.1128C>G, p.Ile376Met (NM_001303405.2, NM_001303406.2); c.804C>G, p.Ile268Met (NM_001303407.2); short protein forms I473M, I513M, I376M, I268M.
Identifiers: ClinVar variation 4541570 (VCV004541570.1).